The following is an entry in ClinVar:

ClinVar aggregate classification (germline): Benign (1 of 4 stars; one submission).

Conditions:
Leigh syndrome (NULS). Also called: Leigh's necrotizing encephalopathy; Leigh's disease; Leigh Syndrome (mtDNA deletion); Leigh Disease; Subacute necrotizing encephalopathy; Necrotizing encephalopathy infantile subacute of Leigh. Identifiers: Orphanet 506, MedGen C2931891, MONDO:0009723, OMIM 256000.

Submission:

Wong Mito Lab, Molecular and Human Genetics, Baylor College of Medicine
Classification: Benign for Leigh syndrome. Last evaluated: 2019-10-17. Review status: criteria provided, single submitter. Criteria: Modified ACMG Guidelines (Unpublished). Collection method: clinical testing. Allele origin: germline.
Comment: The NC_012920.1:m.12092C>T (YP_003024035.1:p.Leu445Phe) variant in MTND4 gene is interpretated to be a Benign variant based on the modified ACMG guidelines (unpublished). This variant meets the following evidence codes: BS1, BS2, BP4

NC_012920.1(MT-ND4):m.12092C>T

Gene: MT-ND4 (mitochondrially encoded NADH dehydrogenase 4; plus strand).
Variant type: single nucleotide variant.
Genome position: chrM-12092-C-T.
Identifiers: ClinVar variation 693412 (VCV000693412.1), dbSNP rs1603223542, ClinGen allele CA414812463.